The following is an entry in ClinVar:

NM_000518.5(HBB):c.206_216del (p.Leu69fs)

Genes: HBB (hemoglobin subunit beta; minus strand), LOC106099062 (HBB recombination region; plus strand), LOC107133510 (origin of replication at HBB; plus strand). Cytogenetic location: 11p15.4.
Variant type: Deletion.
Coding change: c.206_216del on transcript NM_000518.5 (MANE Select); coding-DNA positions 206 to 216, 11 bases deleted (TCGGTGCCTTT).
Protein change: p.Leu69fs; shifts the reading frame from leucine 69.
Molecular consequence: frameshift variant.
Genome position (GRCh38, 1-based): chr11:5,226,676-5,226,686, AAAGGCACCGA deleted on the plus strand (TCGGTGCCTTT on the coding strand, the reverse complement: HBB is on the minus strand). VCF-style (leftmost placement, unchanged base first): chr11-5226675-TAAAGGCACCGA-T. GRCh37 (hg19) VCF-style: chr11-5247905-TAAAGGCACCGA-T.
Other names: short protein forms L69fs.
Identifiers: ClinVar variation 4819685 (VCV004819685.1).

ClinVar aggregate classification (germline): Likely pathogenic (1 of 4 stars; one submission).

Conditions:
beta Thalassemia (BTHAL). Also called: Cooley's anemia; Erythroblastic anemia; Mediterranean anemia. Identifiers: Orphanet 848, MedGen C0005283, MONDO:0019402. Disease mechanism: loss of function.

Submission:

Otogenetics
Classification: Likely pathogenic for beta Thalassemia. Last evaluated: 2025-11-07. Review status: criteria provided, single submitter. Criteria: ACMG Guidelines, 2015. Collection method: clinical testing. Allele origin: germline.
Comment: PVS1: Frameshift indel introduces premature stop codon in gene with loss of function as mechanism of disease, predicted to undergo NMD; PM2: Variant not observed in gnomAD (<0.272% threshold)